The following is an entry in ClinVar:

NM_152906.7(TANGO2):c.145+1G>A

Gene: TANGO2 (transport and golgi organization 2 homolog; plus strand). Cytogenetic location: 22q11.21.
Variant type: single nucleotide variant.
Coding change: c.145+1G>A on transcript NM_152906.7 (MANE Select); the canonical splice donor site of the intron after coding-DNA position 145, G replaced by A.
Molecular consequence: splice donor variant.
Genome position (GRCh38, 1-based): chr22:20,043,444, G>A. VCF-style: chr22-20043444-G-A. GRCh37 (hg19) VCF-style: chr22-20030967-G-A.
Other names: c.145+1G>A (NM_001283106.3, NM_001322163.2, NM_001283179.3 and 10 more transcripts); c.-35+1G>A (NM_001322174.2, NM_001322172.2, NM_001322160.2 and 9 more transcripts); c.268+1G>A (NM_001322143.2, NM_001322145.2, NM_001322141.2 and 5 more transcripts).
Identifiers: ClinVar variation 1930992 (VCV001930992.5), dbSNP rs1471249671, ClinGen allele CA410693185.
Genomic context (GRCh38, chr22:20,043,444, plus strand): 5'-TCTACAGCCGACCCTCCAAGTTAGCTGACTTCTGGGGGAACAACAACGAGATCCTCAGTG[G>A]TGAGTCTTCCTGCGTGCTCAGCGGTGGCTGCGCCTTGTTGCTTCCCTAGCCCCTGCGTGG-3'

ClinVar aggregate classification (germline): Likely pathogenic (1 of 4 stars; one submission).

gnomAD v4.1: 3 of 1,610,036 alleles (0.00019%); highest among the groups gnomAD compares: East Asian, 0.0022%; no homozygotes.

Submission:

Labcorp Genetics (formerly Invitae), Labcorp
Classification: Likely pathogenic. Last evaluated: 2023-12-05. Review status: criteria provided, single submitter. Criteria: Invitae Variant Classification Sherloc (09022015). Collection method: clinical testing. Allele origin: germline.
Comment: This sequence change affects a donor splice site in intron 3 of the TANGO2 gene. It is expected to disrupt RNA splicing. Variants that disrupt the donor or acceptor splice site typically lead to a loss of protein function (PMID: 16199547), and loss-of-function variants in TANGO2 are known to be pathogenic (PMID: 26805781, 26805782). This variant is present in population databases (no rsID available, gnomAD 0.0009%). This variant has not been reported in the literature in individuals affected with TANGO2-related conditions. ClinVar contains an entry for this variant (Variation ID: 1930992). Algorithms developed to predict the effect of sequence changes on RNA splicing suggest that this variant may disrupt the consensus splice site. In summary, the currently available evidence indicates that the variant is pathogenic, but additional data are needed to prove that conclusively. Therefore, this variant has been classified as Likely Pathogenic.

Literature cited by the submitters: PubMed 16199547; PubMed 26805781; PubMed 26805782.